The following is an entry in ClinVar:

NM_001378457.1(DMXL2):c.3616A>C (p.Asn1206His)

Gene: DMXL2 (Dmx like 2; minus strand). Cytogenetic location: 15q21.2.
Variant type: single nucleotide variant.
Coding change: c.3616A>C on transcript NM_001378457.1 (MANE Select); coding-DNA position 3616, A replaced by C.
Protein change: p.Asn1206His; replaces asparagine 1206 with histidine.
Molecular consequence: missense variant. On other transcripts: non-coding transcript variant (2), intron variant (2).
Genome position (GRCh38, 1-based): chr15:51,499,608, T>G on the plus strand (A>C on the coding strand, the complement: DMXL2 is on the minus strand). VCF-style: chr15-51499608-T-G. GRCh37 (hg19) VCF-style: chr15-51791805-T-G.
Other names: c.3616A>C, p.Asn1206His (NM_001174116.3, NM_001378458.1, NM_001378459.1 and 4 more transcripts); c.3376A>C, p.Asn1126His (NM_001378464.1); c.2764+7526A>C (NM_001378460.1); c.2765-4474A>C (NM_001174117.3); short protein forms N1206H, N1126H.
Identifiers: ClinVar variation 2110109 (VCV002110109.4), dbSNP rs2548508159, ClinGen allele CA392435120.
Genomic context (GRCh38, chr15:51,499,608, plus strand): 5'-CTCCTTGCTTGATACTACCACCTAGTGGTAAAGTGATGACAGCTACTCCATCCTTACTGT[T>G]GGTTTGCTCAGTCACAATTCCTGAAAGCCTTCCATACATGAAGATATTCGCACCGACTCC-3'
Protein context (NP_001365386.1, residues 1196-1216): RLSGIVTEQT[Asn1206His]SKDGVAVITL

ClinVar aggregate classification (germline): Uncertain significance (1 of 4 stars; one submission).

Submission:

Labcorp Genetics (formerly Invitae), Labcorp
Classification: Uncertain significance. Last evaluated: 2023-08-17. Review status: criteria provided, single submitter. Criteria: Invitae Variant Classification Sherloc (09022015). Collection method: clinical testing. Allele origin: germline.
Comment: This sequence change replaces asparagine, which is neutral and polar, with histidine, which is basic and polar, at codon 1206 of the DMXL2 protein (p.Asn1206His). This variant is not present in population databases (gnomAD no frequency). In summary, the available evidence is currently insufficient to determine the role of this variant in disease. Therefore, it has been classified as a Variant of Uncertain Significance. An algorithm developed to predict the effect of missense changes on protein structure and function (PolyPhen-2) suggests that this variant is likely to be disruptive. ClinVar contains an entry for this variant (Variation ID: 2110109). This variant has not been reported in the literature in individuals affected with DMXL2-related conditions.